The following is an entry in ClinVar:

ClinVar aggregate classification (germline): Uncertain significance. Review status: criteria provided, multiple submitters, no conflicts (2 of 4 stars). 5 submissions from 5 submitters: Uncertain significance (4). 1 of the submissions does not count toward it. Last evaluated 2023-10-31.

Conditions:
CEBPE-related disorder. Also called: CEBPE-related condition.
Specific granule deficiency. Identifiers: Orphanet 169142, MedGen C0398593, MONDO:0009506.
Specific granule deficiency 1 (SGD1). Also called: LACTOFERRIN-DEFICIENT NEUTROPHILS; NEUTROPHIL LACTOFERRIN DEFICIENCY. Identifiers: Orphanet 169142, MedGen C4551556, MONDO:0044207, OMIM 245480.

Allele frequency attached by ClinVar (database versions not stated): ESP Exome Variant Server 0.00031; TOPMed 0.00034; gnomAD exomes 0.00038 and 0.00056; ExAC 0.00039; gnomAD 0.00039 and 0.00041; 1000 Genomes Project 0.00040; 1000 Genomes Project 30x 0.00047.

Submissions (5):

Mayo Clinic Laboratories, Mayo Clinic
Classification: Uncertain significance. Last evaluated: 2023-10-31. Review status: criteria provided, single submitter. Criteria: ACMG Guidelines, 2015. Collection method: clinical testing. Allele origin: germline. Observed: 1 variant allele.
Comment: BP4

Department of Pathology and Laboratory Medicine, Sinai Health System
Classification: Uncertain significance for Specific granule deficiency 1. Last evaluated: 2022-11-14. Review status: criteria provided, single submitter. Criteria: ACMG Guidelines, 2015. Collection method: research. Allele origin: germline.

Labcorp Genetics (formerly Invitae), Labcorp
Classification: Uncertain significance for Specific granule deficiency. Last evaluated: 2022-10-13. Review status: criteria provided, single submitter. Criteria: Invitae Variant Classification Sherloc (09022015). Collection method: clinical testing. Allele origin: germline.
Comment: This sequence change replaces leucine, which is neutral and non-polar, with phenylalanine, which is neutral and non-polar, at codon 69 of the CEBPE protein (p.Leu69Phe). This variant is present in population databases (rs146580935, gnomAD 0.08%). This variant has not been reported in the literature in individuals affected with CEBPE-related conditions. ClinVar contains an entry for this variant (Variation ID: 530665). Algorithms developed to predict the effect of missense changes on protein structure and function (SIFT, PolyPhen-2, Align-GVGD) all suggest that this variant is likely to be tolerated. In summary, the available evidence is currently insufficient to determine the role of this variant in disease. Therefore, it has been classified as a Variant of Uncertain Significance.

Revvity Omics, Revvity
Classification: Uncertain significance. Last evaluated: 2022-06-10. Review status: criteria provided, single submitter. Criteria: ACMG Guidelines, 2015. Collection method: clinical testing. Allele origin: germline.

PreventionGenetics, part of Exact Sciences
Classification: Uncertain significance for CEBPE-related condition. Last evaluated: 2024-09-27. Review status: no assertion criteria provided. Collection method: clinical testing. Allele origin: germline. Not counted in ClinVar's aggregate classification.
Comment: The CEBPE c.205C>T variant is predicted to result in the amino acid substitution p.Leu69Phe. To our knowledge, this variant has not been reported in the literature. This variant is reported in 0.075% of alleles in individuals of European (Non-Finnish) descent in gnomAD. Although we suspect that this variant may be benign, at this time, the clinical significance of this variant is uncertain due to the absence of conclusive functional and genetic evidence.

Literature cited by the submitters: PubMed 26104880 (cited by Mayo Clinic Laboratories, Mayo Clinic).

NM_001805.4(CEBPE):c.205C>T (p.Leu69Phe)

Gene: CEBPE (CCAAT enhancer binding protein epsilon; minus strand). Cytogenetic location: 14q11.2.
Variant type: single nucleotide variant.
Coding change: c.205C>T on transcript NM_001805.4 (MANE Select); coding-DNA position 205, C replaced by T.
Protein change: p.Leu69Phe; replaces leucine 69 with phenylalanine.
Molecular consequence: missense variant.
Genome position (GRCh38, 1-based): chr14:23,118,887, G>A on the plus strand (C>T on the coding strand, the complement: CEBPE is on the minus strand). VCF-style: chr14-23118887-G-A. GRCh37 (hg19) VCF-style: chr14-23588096-G-A.
Other names: p.Leu69Phe; short protein forms L69F.
Identifiers: ClinVar variation 530665 (VCV000530665.12), dbSNP rs146580935, ClinGen allele CA7111267.